The following is an entry in ClinVar:

NM_003628.6(PKP4):c.221A>G (p.Glu74Gly)

Gene: PKP4 (plakophilin 4; plus strand). Cytogenetic location: 2q24.1.
Variant type: single nucleotide variant.
Coding change: c.221A>G on transcript NM_003628.6 (MANE Select); coding-DNA position 221, A replaced by G.
Protein change: p.Glu74Gly; replaces glutamic acid 74 with glycine.
Molecular consequence: missense variant. On other transcripts: 5 prime UTR variant (1).
Genome position (GRCh38, 1-based): chr2:158,577,359, A>G. VCF-style: chr2-158577359-A-G. GRCh37 (hg19) VCF-style: chr2-159433871-A-G.
Other names: c.221A>G, p.Glu74Gly (NM_001005476.4, NM_001304969.3, NM_001304971.2 and 9 more transcripts); c.-729A>G (NM_001304970.3); short protein forms E74G.
Identifiers: ClinVar variation 1787894 (VCV001787894.2), dbSNP rs2529318472, ClinGen allele CA349201722.

ClinVar aggregate classification (germline): Uncertain significance (1 of 4 stars; one submission).

gnomAD v4.1: 2 of 1,612,646 alleles (0.00012%); no homozygotes.

Submission:

Ambry Genetics
Classification: Uncertain significance. Last evaluated: 2022-09-02. Review status: criteria provided, single submitter. Criteria: Ambry Variant Classification Scheme 2023. Collection method: clinical testing. Allele origin: germline.
Comment: The p.E74G variant (also known as c.221A>G), located in coding exon 2 of the PKP4 gene, results from an A to G substitution at nucleotide position 221. The glutamic acid at codon 74 is replaced by glycine, an amino acid with similar properties. This amino acid position is conserved. In addition, the in silico prediction for this alteration is inconclusive. Since supporting evidence is limited at this time, the clinical significance of this alteration remains unclear.